The following is an entry in ClinVar:

NM_001242.5(CD27):c.371C>G (p.Pro124Arg)

Genes: CD27 (CD27 molecule; plus strand), CD27-AS1 (CD27 antisense RNA 1; minus strand). Cytogenetic location: 12p13.31.
Variant type: single nucleotide variant.
Coding change: c.371C>G on transcript NM_001242.5 (MANE Select); coding-DNA position 371, C replaced by G.
Protein change: p.Pro124Arg; replaces proline 124 with arginine.
Molecular consequence: missense variant.
Genome position (GRCh38, 1-based): chr12:6,450,275, C>G. VCF-style: chr12-6450275-C-G. GRCh37 (hg19) VCF-style: chr12-6559441-C-G.
Other names: short protein forms P124R.
Identifiers: ClinVar variation 636496 (VCV000636496.43), dbSNP rs373809759, ClinGen allele CA6406952.

ClinVar aggregate classification (germline): Uncertain significance. Review status: criteria provided, multiple submitters, no conflicts (2 of 4 stars). 3 submissions from 3 submitters: Uncertain significance (3). Last evaluated 2024-12-29.

Conditions:
Lymphoproliferative syndrome 2 (LPFS2). Also called: CD27 DEFICIENCY; Combined immunodeficiency due to CD27 deficiency. Identifiers: Orphanet 238505, MedGen C3554540, MONDO:0014054, OMIM 615122.

Allele frequency attached by ClinVar (database versions not stated): gnomAD 0.00002; gnomAD exomes 0.00004 and 0.00009; TOPMed 0.00005; ESP Exome Variant Server 0.00008; ExAC 0.00011.

Submissions (3):

Labcorp Genetics (formerly Invitae), Labcorp
Classification: Uncertain significance for Lymphoproliferative syndrome 2. Last evaluated: 2024-12-29. Review status: criteria provided, single submitter. Criteria: Invitae Variant Classification Sherloc (09022015). Collection method: clinical testing. Allele origin: germline.
Comment: This sequence change replaces proline, which is neutral and non-polar, with arginine, which is basic and polar, at codon 124 of the CD27 protein (p.Pro124Arg). This variant is present in population databases (rs373809759, gnomAD 0.02%). This variant has not been reported in the literature in individuals affected with CD27-related conditions. ClinVar contains an entry for this variant (Variation ID: 636496). Invitae Evidence Modeling of protein sequence and biophysical properties (such as structural, functional, and spatial information, amino acid conservation, physicochemical variation, residue mobility, and thermodynamic stability) indicates that this missense variant is not expected to disrupt CD27 protein function with a negative predictive value of 80%. In summary, the available evidence is currently insufficient to determine the role of this variant in disease. Therefore, it has been classified as a Variant of Uncertain Significance.

Blueprint Genetics
Classification: Uncertain significance. Last evaluated: 2024-11-25. Review status: criteria provided, single submitter. Criteria: ACMG Guidelines, 2015. Collection method: clinical testing. Allele origin: germline.

CeGaT Center for Human Genetics Tuebingen
Classification: Uncertain significance. Last evaluated: 2022-02-01. Review status: criteria provided, single submitter. Criteria: CeGaT Center For Human Genetics Tuebingen Variant Classification Criteria Version 2. Collection method: clinical testing. Allele origin: germline. Affected: yes. Observed: 1 variant allele.